The following is an entry in ClinVar:

ClinVar aggregate classification (germline): Uncertain significance (1 of 4 stars; one submission).

Conditions:
Luscan-Lumish syndrome. Identifiers: Orphanet 597738, MedGen C4085873, MONDO:0014791, OMIM 616831.

Submission:

Baylor Genetics
Classification: Uncertain significance for Luscan-Lumish syndrome. Last evaluated: 2018-07-13. Review status: criteria provided, single submitter. Criteria: ACMG Guidelines, 2015. Collection method: clinical testing. Allele origin: unknown. Affected: yes.
Comment: This variant was determined to be of uncertain significance according to ACMG Guidelines, 2015 [PMID:25741868].

NM_014159.7(SETD2):c.1588T>C (p.Cys530Arg)

Gene: SETD2 (SET domain containing 2, histone lysine methyltransferase; minus strand). Cytogenetic location: 3p21.31.
Variant type: single nucleotide variant.
Coding change: c.1588T>C on transcript NM_014159.7 (MANE Select); coding-DNA position 1588, T replaced by C.
Protein change: p.Cys530Arg; replaces cysteine 530 with arginine.
Molecular consequence: missense variant. On other transcripts: non-coding transcript variant (1).
Genome position (GRCh38, 1-based): chr3:47,123,048, A>G on the plus strand (T>C on the coding strand, the complement: SETD2 is on the minus strand). VCF-style: chr3-47123048-A-G. GRCh37 (hg19) VCF-style: chr3-47164538-A-G.
Other names: c.1456T>C, p.Cys486Arg (NM_001349370.3); short protein forms C530R, C486R.
Identifiers: ClinVar variation 1031799 (VCV001031799.1), dbSNP rs527381545, ClinGen allele CA352529876.
Genomic context (GRCh38, chr3:47,123,048, plus strand): 5'-TGTCATGCTTAGAATATGATGACCCTCGTCGGAATCCCAGTTCATTAGGGGGAGAACAAC[A>G]TCTTTTAATTGCTTCATTTTCTGAAGTCCTTTTAGATTCTCTTTCTAGTTTTGAAGAATA-3'
Protein context (NP_054878.5, residues 520-540): RTSENEAIKR[Cys530Arg]CSPPNELGFR